The following is an entry in ClinVar:

ClinVar aggregate classification (germline): Benign/Likely benign. Review status: criteria provided, multiple submitters, no conflicts (2 of 4 stars). 13 submissions from 12 submitters: Benign (9); Likely benign (3). 1 of the submissions does not count toward it. Last evaluated 2026-02-03.

Conditions:
Cardiovascular phenotype. Identifiers: MedGen CN230736.
Familial hypercholesterolemia. Also called: Familial hypercholesterolemias; Familial hypercholesterolaemia. Identifiers: MedGen C0020445, MONDO:0005439.
Familial hypobetalipoproteinemia 1. Also called: Hypobetalipoproteinemia, normotriglyceridemic; Acanthocytosis with hypobetalipoproteinemia; APOB-Related Familial Hypobetalipoproteinemia. Identifiers: MedGen C4551990, MONDO:0014252, OMIM 615558.
Hypercholesterolemia, autosomal dominant, type B (FHCL2). Also called: Familial Hypercholesterolemia Type B; APOB-Related Familial Hypercholesterolemia, Autosomal Dominant; Hyperlipoproteinemia Type IIb; Familial hypercholesterolemia 2; APOLIPOPROTEIN B-100, FAMILIAL DEFECTIVE; APOLIPOPROTEIN B-100, FAMILIAL LIGAND-DEFECTIVE. Identifiers: MedGen C1704417, MONDO:0007751, OMIM 144010.
Hypercholesterolemia, familial, 1. Also called: LDL RECEPTOR DISORDER; Hyperlipoproteinemia Type IIa; HYPER-LOW-DENSITY-LIPOPROTEINEMIA; HYPERCHOLESTEROLEMIC XANTHOMATOSIS, FAMILIAL; Fredrickson type IIa hyperlipoproteinemia; Hyperlipoproteinemia type 2. Identifiers: Orphanet 391665, MedGen C0745103, MONDO:0007750, OMIM 143890.

Allele frequency attached by ClinVar (database versions not stated): gnomAD exomes 0.00256; ExAC 0.00867; gnomAD 0.02731 and 0.02896; TOPMed 0.03079; ESP Exome Variant Server 0.03229; 1000 Genomes Project 0.03874; 1000 Genomes Project 30x 0.04247.
gnomAD v4.1: 8,016 of 1,613,866 alleles (0.5%); highest among the groups gnomAD compares: African/African-American, 9.5%; 342 homozygotes.

Submissions (13):

Labcorp Genetics (formerly Invitae), Labcorp
Classification: Benign for Familial hypobetalipoproteinemia 1; Hypercholesterolemia, autosomal dominant, type B. Last evaluated: 2026-02-03. Review status: criteria provided, single submitter. Criteria: Invitae Variant Classification Sherloc (09022015). Collection method: clinical testing. Allele origin: germline.

ARUP Laboratories, Molecular Genetics and Genomics, ARUP Laboratories
Classification: Benign. Last evaluated: 2025-05-20. Review status: criteria provided, single submitter. Criteria: ARUP Molecular Germline Variant Investigation Process 2024. Collection method: clinical testing. Allele origin: germline.

Molecular Diagnostic Laboratory for Inherited Cardiovascular Disease, Montreal Heart Institute
Classification: Benign. Last evaluated: 2025-04-09. Review status: criteria provided, single submitter. Criteria: ACMG Guidelines, 2015. Collection method: clinical testing. Allele origin: germline. Affected: no.

GENinCode PLC
Classification: Benign for Familial hypercholesterolemia. Last evaluated: 2022-12-05. Review status: criteria provided, single submitter. Criteria: ACMG Guidelines, 2015. Collection method: clinical testing. Allele origin: germline.

Quest Diagnostics Nichols Institute San Juan Capistrano
Classification: Benign. Last evaluated: 2022-06-30. Review status: criteria provided, single submitter. Criteria: Quest Diagnostics criteria. Collection method: clinical testing. Allele origin: unknown.

Illumina Laboratory Services, Illumina
Classification: Likely benign for Familial hypobetalipoproteinemia 1. Last evaluated: 2018-01-12. Review status: criteria provided, single submitter. Criteria: ICSL Variant Classification Criteria 13 December 2019. Collection method: clinical testing. Allele origin: germline.
Comment: This variant was observed in the ICSL laboratory as part of a predisposition screen in an ostensibly healthy population. It had not been previously curated by ICSL or reported in the Human Gene Mutation Database (HGMD: prior to June 1st, 2018), and was therefore a candidate for classification through an automated scoring system. Utilizing variant allele frequency, disease prevalence and penetrance estimates, and inheritance mode, an automated score was calculated to assess if this variant is too frequent to cause the disease. Based on the score and internal cut-off values, a variant classified as likely benign is not then subjected to further curation. The score for this variant resulted in a classification of likely benign for this disease.

Illumina Laboratory Services, Illumina
Classification: Benign for Hypercholesterolemia, autosomal dominant, type B. Last evaluated: 2018-01-12. Review status: criteria provided, single submitter. Criteria: ICSL Variant Classification Criteria 13 December 2019. Collection method: clinical testing. Allele origin: germline.
Comment: This variant was observed in the ICSL laboratory as part of a predisposition screen in an ostensibly healthy population. It had not been previously curated by ICSL or reported in the Human Gene Mutation Database (HGMD: prior to June 1st, 2018), and was therefore a candidate for classification through an automated scoring system. Utilizing variant allele frequency, disease prevalence and penetrance estimates, and inheritance mode, an automated score was calculated to assess if this variant is too frequent to cause the disease. Based on the score and internal cut-off values, a variant classified as benign is not then subjected to further curation. The score for this variant resulted in a classification of benign for this disease.

Robarts Research Institute, Western University
Classification: Likely benign for Hypercholesterolemia, familial, 1. Last evaluated: 2018-01-02. Review status: criteria provided, single submitter. Criteria: ACMG Guidelines, 2015. Collection method: clinical testing. Allele origin: germline. Inheritance: Autosomal dominant inheritance. Affected: yes.

GeneDx
Classification: Benign. Last evaluated: 2017-06-06. Review status: criteria provided, single submitter. Criteria: GeneDx Variant Classification (06012015). Collection method: clinical testing. Allele origin: germline. Affected: yes.
Comment: This variant is considered likely benign or benign based on one or more of the following criteria: it is a conservative change, it occurs at a poorly conserved position in the protein, it is predicted to be benign by multiple in silico algorithms, and/or has population frequency not consistent with disease.

Ambry Genetics
Classification: Benign for Cardiovascular phenotype. Last evaluated: 2017-03-14. Review status: criteria provided, single submitter. Criteria: Ambry Variant Classification Scheme 2023. Collection method: clinical testing. Allele origin: germline.

Breakthrough Genomics
Classification: Likely benign. Review status: criteria provided, single submitter. Criteria: ACMG Guidelines, 2015. Collection method: not provided. Allele origin: germline. Inheritance: Autosomal recessive inheritance. Affected: yes.

PreventionGenetics, part of Exact Sciences
Classification: Benign. Review status: criteria provided, single submitter. Criteria: ACMG Guidelines, 2015. Collection method: clinical testing. Allele origin: germline.

Cohesion Phenomics
Classification: Benign for Familial hypercholesterolemia. Last evaluated: 2023-02-09. Review status: no assertion criteria provided. Criteria: ACMG Guidelines, 2015. Collection method: clinical testing. Allele origin: germline. Affected: yes. Not counted in ClinVar's aggregate classification.

NM_000384.3(APOB):c.10737C>T (p.Thr3579=)

Gene: APOB (apolipoprotein B; minus strand). Cytogenetic location: 2p24.1.
Variant type: single nucleotide variant.
Coding change: c.10737C>T on transcript NM_000384.3 (MANE Select); coding-DNA position 10737, C replaced by T.
Protein change: p.Thr3579=; no amino-acid change (threonine 3579 retained).
Molecular consequence: synonymous variant.
Genome position (GRCh38, 1-based): chr2:21,006,131, G>A on the plus strand (C>T on the coding strand, the complement: APOB is on the minus strand). VCF-style: chr2-21006131-G-A. GRCh37 (hg19) VCF-style: chr2-21229003-G-A.
Identifiers: ClinVar variation 255972 (VCV000255972.37), dbSNP rs12713554, ClinGen allele CA044554.
Genomic context (GRCh38, chr2:21,006,131, plus strand): 5'-AAGAGCTGACATTTGCCATGGAGAGAGTTCCAGGGTGGCTTTGCTTGTATGTTCTCCGTT[G>A]GTGAAAAAGAGGCCCTCTAGCTGTAAGTGGTTTTTCGTACTGTGCTCCCAGAGGGAATAT-3'
Protein context (NP_000375.3, residues 3569-3589): NHLQLEGLFF[Thr3579=]NGEHTSKATL